The following is an entry in ClinVar:

ClinVar aggregate classification (germline): Pathogenic (1 of 4 stars; one submission).

Conditions:
Jeune thoracic dystrophy. Also called: Jeune syndrome; Infantile thoracic dystrophy; Thoracic pelvic phalangeal dystrophy; Jeune's syndrome; Chondroectodermal dysplasia-like syndrome; Short-rib thoracic dysplasia. Identifiers: Orphanet 474, MedGen C0265275, MONDO:0018770.

Submission:

Labcorp Genetics (formerly Invitae), Labcorp
Classification: Pathogenic for Jeune thoracic dystrophy. Last evaluated: 2023-08-23. Review status: criteria provided, single submitter. Criteria: Invitae Variant Classification Sherloc (09022015). Collection method: clinical testing. Allele origin: germline.
Comment: This sequence change creates a premature translational stop signal (p.Leu2890*) in the DYNC2H1 gene. It is expected to result in an absent or disrupted protein product. Loss-of-function variants in DYNC2H1 are known to be pathogenic (PMID: 23339108, 32753734, 33755199). For these reasons, this variant has been classified as Pathogenic. This variant has not been reported in the literature in individuals affected with DYNC2H1-related conditions. This variant is not present in population databases (gnomAD no frequency).

Literature cited by the submitters: PubMed 23339108; PubMed 32753734; PubMed 33755199.

NM_001377.3(DYNC2H1):c.8669T>A (p.Leu2890Ter)

Gene: DYNC2H1 (dynein cytoplasmic 2 heavy chain 1; plus strand). Cytogenetic location: 11q22.3.
Variant type: single nucleotide variant.
Coding change: c.8669T>A on transcript NM_001377.3 (MANE Select); coding-DNA position 8669, T replaced by A.
Protein change: p.Leu2890Ter; replaces leucine 2890 with a stop codon.
Molecular consequence: nonsense.
Genome position (GRCh38, 1-based): chr11:103,211,918, T>A. VCF-style: chr11-103211918-T-A. GRCh37 (hg19) VCF-style: chr11-103082647-T-A.
Other names: c.8669T>A, p.Leu2890Ter (NM_001080463.2); short protein forms L2890*.
Identifiers: ClinVar variation 2754573 (VCV002754573.3), dbSNP rs2496411251, ClinGen allele CA382260734.